The following is an entry in ClinVar:

NM_003872.3(NRP2):c.1071T>C (p.Tyr357=)

Gene: NRP2 (neuropilin 2; plus strand). Cytogenetic location: 2q33.3.
Variant type: single nucleotide variant.
Coding change: c.1071T>C on transcript NM_003872.3 (MANE Select); coding-DNA position 1071, T replaced by C.
Protein change: p.Tyr357=; no amino-acid change (tyrosine 357 retained).
Molecular consequence: synonymous variant.
Genome position (GRCh38, 1-based): chr2:205,727,971, T>C. VCF-style: chr2-205727971-T-C. GRCh37 (hg19) VCF-style: chr2-206592695-T-C.
Other names: c.1071T>C, p.Tyr357= (NM_018534.4, NM_201264.2, NM_201266.2 and 2 more transcripts).
Identifiers: ClinVar variation 3059466 (VCV003059466.2), dbSNP rs849526, ClinGen allele CA2069007.

ClinVar aggregate classification (germline): Benign (0 of 4 stars; one submission).

Conditions:
NRP2-related disorder. Also called: NRP2-related condition.

Allele frequency attached by ClinVar (database versions not stated): ESP Exome Variant Server 0.41119; TOPMed 0.43458; gnomAD 0.45214; 1000 Genomes Project 30x 0.50390; 1000 Genomes Project 0.51757; gnomAD exomes 0.55902; ExAC 0.57018.
gnomAD v4.1: 885,402 of 1,613,822 alleles (55%); highest among the groups gnomAD compares: East Asian, 78%; 253,072 homozygotes.

Submission:

PreventionGenetics, part of Exact Sciences
Classification: Benign for NRP2-related condition. Last evaluated: 2022-07-19. Review status: no assertion criteria provided. Collection method: clinical testing. Allele origin: germline.
Comment: This variant is classified as benign based on ACMG/AMP sequence variant interpretation guidelines (Richards et al. 2015 PMID: 25741868, with internal and published modifications).